The following is an entry in ClinVar:

NM_004817.4(TJP2):c.2774C>T (p.Thr925Met)

Gene: TJP2 (tight junction protein 2; plus strand). Cytogenetic location: 9q21.11.
Variant type: single nucleotide variant.
Coding change: c.2774C>T on transcript NM_004817.4 (MANE Select); coding-DNA position 2774, C replaced by T.
Protein change: p.Thr925Met; replaces threonine 925 with methionine.
Molecular consequence: missense variant. On other transcripts: intron variant (1).
Genome position (GRCh38, 1-based): chr9:69,248,118, C>T. VCF-style: chr9-69248118-C-T. GRCh37 (hg19) VCF-style: chr9-71863034-C-T.
Other names: p.Thr925Met; c.2774C>T, p.Thr925Met (NM_201629.3, NM_001369872.1); c.2667+1328C>T (NM_001369873.1); c.2705C>T, p.Thr902Met (NM_001170414.2, NM_001369871.1); c.2786C>T, p.Thr929Met (NM_001170415.1, NM_001369874.1, NM_001369875.1); c.2867C>T, p.Thr956Met (NM_001170416.2); c.2699C>T, p.Thr900Met (NM_001369870.1); short protein forms T900M, T902M, T925M, T929M, T956M.
Identifiers: ClinVar variation 1307000 (VCV001307000.9), dbSNP rs774198938, ClinGen allele CA5073767.

ClinVar aggregate classification (germline): Uncertain significance. Review status: criteria provided, multiple submitters, no conflicts (2 of 4 stars). 4 submissions from 4 submitters: Uncertain significance (4). Last evaluated 2026-06-23.

Conditions:
TJP2-related disorder. Also called: TJP2-related condition.

Allele frequency attached by ClinVar (database versions not stated): gnomAD 0.00002; TOPMed 0.00009; ExAC 0.00012; gnomAD exomes 0.00012.
gnomAD v4.1: 43 of 1,614,064 alleles (0.0027%); highest among the groups gnomAD compares: Admixed American, 0.045%; no homozygotes.

Submissions (4):

PreventionGenetics, part of Exact Sciences
Classification: Uncertain significance for TJP2-related condition. Last evaluated: 2026-06-23. Review status: criteria provided, single submitter. Criteria: ACMG Guidelines, 2015. Collection method: clinical testing. Allele origin: germline.
Comment: The TJP2 c.2774C>T variant is predicted to result in the amino acid substitution p.Thr925Met. This variant was reported in an individual with gallstone disease (reported as Thr902Met in Table 3, Zöllner et al. 2023. PubMed ID: 37208429). This variant is reported in 0.068% of alleles in individuals of Latino descent in gnomAD. At this time, the clinical significance of this variant is uncertain due to the absence of conclusive functional and genetic evidence.

Mayo Clinic Laboratories, Mayo Clinic
Classification: Uncertain significance. Last evaluated: 2024-07-24. Review status: criteria provided, single submitter. Criteria: ACMG Guidelines, 2015. Collection method: clinical testing. Allele origin: germline. Observed: 1 variant allele.

GeneDx
Classification: Uncertain significance. Last evaluated: 2024-06-07. Review status: criteria provided, single submitter. Criteria: GeneDx Variant Classification Process June 2021. Collection method: clinical testing. Allele origin: germline. Affected: yes.
Comment: Identified in a patient with cholestatic liver disease and classified as a variant of uncertain significance (reported as p.(T902M) using an alternate transcript) in published literature (PMID: 37208429); In silico analysis supports that this missense variant has a deleterious effect on protein structure/function; This variant is associated with the following publications: (PMID: 37208429)

Labcorp Genetics (formerly Invitae), Labcorp
Classification: Uncertain significance. Last evaluated: 2021-09-21. Review status: criteria provided, single submitter. Criteria: Invitae Variant Classification Sherloc (09022015). Collection method: clinical testing. Allele origin: germline.
Comment: This sequence change replaces threonine with methionine at codon 925 of the TJP2 protein (p.Thr925Met). The threonine residue is moderately conserved and there is a moderate physicochemical difference between threonine and methionine. This variant is present in population databases (rs774198938, ExAC 0.08%). This variant has not been reported in the literature in individuals affected with TJP2-related conditions. Algorithms developed to predict the effect of missense changes on protein structure and function are either unavailable or do not agree on the potential impact of this missense change (SIFT: "Deleterious"; PolyPhen-2: "Probably Damaging"; Align-GVGD: "Class C0"). In summary, the available evidence is currently insufficient to determine the role of this variant in disease. Therefore, it has been classified as a Variant of Uncertain Significance.

Literature cited by the submitters: PubMed 37208429 (cited by Mayo Clinic Laboratories, Mayo Clinic).